The following is an entry in ClinVar:

ClinVar aggregate classification (germline): Pathogenic (1 of 4 stars; one submission).

Conditions:
Joubert syndrome. Also called: CEREBELLOPARENCHYMAL DISORDER IV; JOUBERT-BOLTSHAUSER SYNDROME; Familial aplasia of the vermis. Identifiers: Orphanet 475, MedGen C5979921, MONDO:0018772.
Meckel-Gruber syndrome. Also called: DYSENCEPHALIA SPLANCHNOCYSTICA; GRUBER SYNDROME; Dysencephalia splachnocystica. Identifiers: Orphanet 564, MedGen C0265215, MONDO:0018921.

Submission:

Labcorp Genetics (formerly Invitae), Labcorp
Classification: Pathogenic for Joubert syndrome; Meckel-Gruber syndrome. Last evaluated: 2022-06-14. Review status: criteria provided, single submitter. Criteria: Invitae Variant Classification Sherloc (09022015). Collection method: clinical testing. Allele origin: germline.
Comment: For these reasons, this variant has been classified as Pathogenic. This variant has not been reported in the literature in individuals affected with TMEM67-related conditions. This variant is not present in population databases (gnomAD no frequency). This sequence change creates a premature translational stop signal (p.Asp768Glyfs*7) in the TMEM67 gene. It is expected to result in an absent or disrupted protein product. Loss-of-function variants in TMEM67 are known to be pathogenic (PMID: 20232449, 23559409).

Literature cited by the submitters: PubMed 20232449; PubMed 23559409.

NM_153704.6(TMEM67):c.2302dup (p.Asp768fs)

Gene: TMEM67 (transmembrane protein 67; plus strand). Cytogenetic location: 8q22.1.
Variant type: Duplication.
Coding change: c.2302dup on transcript NM_153704.6 (MANE Select); coding-DNA position 2302, one base duplicated (G; older notation c.2302dupG).
Protein change: p.Asp768fs; shifts the reading frame from aspartic acid 768.
Molecular consequence: frameshift variant. On other transcripts: non-coding transcript variant (1).
Genome position (GRCh38, 1-based): chr8:93,803,664, G duplicated. VCF-style (leftmost placement, unchanged base first): chr8-93803663-T-TG. GRCh37 (hg19) VCF-style: chr8-94815891-T-TG.
Other names: c.2059dup, p.Asp687fs (NM_001142301.1); short protein forms D687fs, D768fs.
Identifiers: ClinVar variation 2003226 (VCV002003226.4), dbSNP rs2536923923, ClinGen allele CA2580079101.